The following is an entry in ClinVar:

NM_000135.4(FANCA):c.3786C>G (p.Phe1262Leu)

Genes: FANCA (FA complementation group A; minus strand), ZNF276 (zinc finger protein 276; plus strand). Cytogenetic location: 16q24.3.
Variant type: single nucleotide variant.
Coding change: c.3786C>G on transcript NM_000135.4 (MANE Select); coding-DNA position 3786, C replaced by G.
Protein change: p.Phe1262Leu; replaces phenylalanine 1262 with leucine.
Molecular consequence: missense variant. On other transcripts: 3 prime UTR variant (2), non-coding transcript variant (4).
Genome position (GRCh38, 1-based): chr16:89,740,846, G>C on the plus strand (C>G on the coding strand, the complement: FANCA is on the minus strand). VCF-style: chr16-89740846-G-C. GRCh37 (hg19) VCF-style: chr16-89807254-G-C.
Other names: c.3786C>G, p.Phe1262Leu (NM_001286167.3); c.*2600G>C (NM_001113525.2, NM_152287.4); short protein forms F1262L.
Identifiers: ClinVar variation 974268 (VCV000974268.1), dbSNP rs2062115605, ClinGen allele CA397485212.

ClinVar aggregate classification (germline): Pathogenic (0 of 4 stars; one submission).

Conditions:
Fanconi anemia complementation group A (FANCA). Also called: Fanconi anemia, group A; FANCA-Related Fanconi Anemia. Identifiers: Orphanet 84, MedGen C3469521, MONDO:0009215, OMIM 227650.

Submission:

Leiden Open Variation Database
Classification: Pathogenic for Fanconi anemia complementation group A. Last evaluated: 2020-02-28. Review status: no assertion criteria provided. Collection method: curation. Allele origin: germline. Affected: yes.
Comment: Curator: Arleen D. Auerbach. Submitter to LOVD: Arleen D. Auerbach.

Literature cited by the submitters: PubMed 10521298; PubMed 12444097.